The following is an entry in ClinVar:

ClinVar aggregate classification (germline): Conflicting classifications of pathogenicity. Review status: criteria provided, conflicting classifications (1 of 4 stars). 2 submissions from 2 submitters: Uncertain significance (1); Likely benign (1). Last evaluated 2026-01-26.

Conditions:
NTRK2-related disorder. Also called: NTRK2-related condition.

Submissions (2):

PreventionGenetics, part of Exact Sciences
Classification: Likely benign for NTRK2-related condition. Last evaluated: 2026-01-26. Review status: criteria provided, single submitter. Criteria: ACMG Guidelines, 2015. Collection method: clinical testing. Allele origin: germline.
Comment: This variant is classified as likely benign based on ACMG/AMP sequence variant interpretation guidelines (Richards et al. 2015 PMID: 25741868, with internal and published modifications).

Labcorp Genetics (formerly Invitae), Labcorp
Classification: Uncertain significance. Last evaluated: 2025-04-16. Review status: criteria provided, single submitter. Criteria: Invitae Variant Classification Sherloc (09022015). Collection method: clinical testing. Allele origin: germline.
Comment: This sequence change falls in intron 7 of the NTRK2 gene. It does not directly change the encoded amino acid sequence of the NTRK2 protein. It affects a nucleotide within the consensus splice site. This variant is not present in population databases (gnomAD no frequency). This variant has not been reported in the literature in individuals affected with NTRK2-related conditions. Variants that disrupt the consensus splice site are a relatively common cause of aberrant splicing (PMID: 17576681, 9536098). Algorithms developed to predict the effect of sequence changes on RNA splicing suggest that this variant may disrupt the consensus splice site. In summary, the available evidence is currently insufficient to determine the role of this variant in disease. Therefore, it has been classified as a Variant of Uncertain Significance.

Literature cited by the submitters: PubMed 17576681 (cited by Labcorp Genetics (formerly Invitae), Labcorp); PubMed 9536098 (cited by Labcorp Genetics (formerly Invitae), Labcorp).

NM_006180.6(NTRK2):c.429-3T>G

Gene: NTRK2 (neurotrophic receptor tyrosine kinase 2; plus strand). Cytogenetic location: 9q21.33.
Variant type: single nucleotide variant.
Coding change: c.429-3T>G on transcript NM_006180.6 (MANE Select); 3 bases into the intron before coding-DNA position 429, T replaced by G.
Molecular consequence: intron variant.
Genome position (GRCh38, 1-based): chr9:84,710,634, T>G. VCF-style: chr9-84710634-T-G. GRCh37 (hg19) VCF-style: chr9-87325549-T-G.
Other names: c.429-3T>G (NM_001369532.1, NM_001369533.1, NM_001018066.3 and 19 more transcripts); c.-40-3T>G (NM_001369536.1, NM_001369535.1, NM_001369550.1 and 2 more transcripts).
Identifiers: ClinVar variation 4717582 (VCV004717582.2).